The following is an entry in ClinVar:

ClinVar aggregate classification (germline): Uncertain significance. Review status: criteria provided, multiple submitters, no conflicts (2 of 4 stars). 7 submissions from 7 submitters: Uncertain significance (6). 1 of the submissions does not count toward it. Last evaluated 2024-10-09.

Conditions:
Inborn genetic diseases. Identifiers: MedGen C0950123, MeSH D030342.
Neuronal ceroid lipofuscinosis. Also called: Neuronal Ceroid Lipofuscinoses. Identifiers: Orphanet 216, Orphanet 79263, MedGen C0027877, MONDO:0016295. Disease mechanism: loss of function.
Neuronal ceroid lipofuscinosis 5 (CLN5). Also called: Neuronal ceroid lipofuscinosis Finnish variant; NEURONAL CEROID LIPOFUSCINOSIS, LATE INFANTILE, FINNISH VARIANT; CLN5-Related Neuronal Ceroid-Lipofuscinosis; CEROID LIPOFUSCINOSIS, NEURONAL, 5, VARIABLE AGE AT ONSET. Identifiers: Orphanet 168491, Orphanet 228360, MedGen C1850442, MONDO:0009745, OMIM 256731.

Allele frequency attached by ClinVar (database versions not stated): ExAC 0.00004; gnomAD exomes 0.00007 and 0.00013; gnomAD 0.00008 and 0.00009; TOPMed 0.00010.
gnomAD v4.1: 187 of 1,593,646 alleles (0.012%); highest among the groups gnomAD compares: Non-Finnish European, 0.015%; no homozygotes.

Submissions (7):

Blueprint Genetics
Classification: Uncertain significance. Last evaluated: 2024-10-09. Review status: criteria provided, single submitter. Criteria: ACMG Guidelines, 2015. Collection method: clinical testing. Allele origin: germline.

Labcorp Genetics (formerly Invitae), Labcorp
Classification: Uncertain significance for Neuronal ceroid lipofuscinosis. Last evaluated: 2022-09-08. Review status: criteria provided, single submitter. Criteria: Invitae Variant Classification Sherloc (09022015). Collection method: clinical testing. Allele origin: germline.
Comment: This sequence change replaces lysine, which is basic and polar, with threonine, which is neutral and polar, at codon 389 of the CLN5 protein (p.Lys389Thr). This variant is present in population databases (rs745767054, gnomAD 0.01%). This variant has not been reported in the literature in individuals affected with CLN5-related conditions. ClinVar contains an entry for this variant (Variation ID: 205133). Algorithms developed to predict the effect of missense changes on protein structure and function are either unavailable or do not agree on the potential impact of this missense change (SIFT: "Deleterious"; PolyPhen-2: "Possibly Damaging"; Align-GVGD: "Class C0"). In summary, the available evidence is currently insufficient to determine the role of this variant in disease. Therefore, it has been classified as a Variant of Uncertain Significance.

Genome-Nilou Lab
Classification: Uncertain significance for Neuronal ceroid lipofuscinosis 5. Last evaluated: 2021-09-05. Review status: criteria provided, single submitter. Criteria: ACMG Guidelines, 2015. Collection method: clinical testing. Allele origin: germline. Affected: no.

GeneDx
Classification: Uncertain significance. Last evaluated: 2021-03-04. Review status: criteria provided, single submitter. Criteria: GeneDx Variant Classification Process June 2021. Collection method: clinical testing. Allele origin: germline. Affected: yes.
Comment: Not observed at a significant frequency in large population cohorts (Lek et al., 2016); In silico analysis supports that this missense variant has a deleterious effect on protein structure/function; Has not been previously published as pathogenic or benign to our knowledge

Illumina Laboratory Services, Illumina
Classification: Uncertain significance for Neuronal ceroid lipofuscinosis 5. Last evaluated: 2018-01-12. Review status: criteria provided, single submitter. Criteria: ICSL Variant Classification Criteria 13 December 2019. Collection method: clinical testing. Allele origin: germline.

Ambry Genetics
Classification: Uncertain significance for Inborn genetic diseases. Last evaluated: 2016-10-17. Review status: criteria provided, single submitter. Criteria: Ambry Variant Classification Scheme 2023. Collection method: clinical testing. Allele origin: germline.
Comment: The p.K389T variant (also known as c.1166A>C), located in coding exon 4 of the CLN5 gene, results from an A to C substitution at nucleotide position 1166. The lysine at codon 389 is replaced by threonine, an amino acid with similar properties. This variant was not reported in population based cohorts in the following databases: Database of Single Nucleotide Polymorphisms (dbSNP), NHLBI Exome Sequencing Project (ESP), and 1000 Genomes Project. In the ESP, this variant was not observed in 6257 samples (12514 alleles) with coverage at this position. This amino acid position is not well conserved in available vertebrate species. In addition, the in silico prediction for this alteration is inconclusive. Since supporting evidence is limited at this time, the clinical significance of this variant remains unclear.

Natera, Inc.
Classification: Uncertain significance for Neuronal ceroid lipofuscinosis 5. Last evaluated: 2020-09-16. Review status: no assertion criteria provided. Collection method: clinical testing. Allele origin: germline. Not counted in ClinVar's aggregate classification.

NM_006493.4(CLN5):c.1019A>C (p.Lys340Thr)

Gene: CLN5 (CLN5 lysosomal BMP synthase; plus strand). Cytogenetic location: 13q22.3.
Variant type: single nucleotide variant.
Coding change: c.1019A>C on transcript NM_006493.4 (MANE Select); coding-DNA position 1019, A replaced by C.
Protein change: p.Lys340Thr; replaces lysine 340 with threonine.
Molecular consequence: missense variant. On other transcripts: 3 prime UTR variant (1).
Genome position (GRCh38, 1-based): chr13:77,000,911, A>C. VCF-style: chr13-77000911-A-C. GRCh37 (hg19) VCF-style: chr13-77575046-A-C.
Other names: p.K389T:AAA>ACA; c.1166A>C (LRG_692t1); c.*468A>C (NM_001366624.2); short protein forms K340T.
Identifiers: ClinVar variation 205133 (VCV000205133.19), dbSNP rs745767054, ClinGen allele CA313885.